The following is an entry in ClinVar:

NM_015100.4(POGZ):c.29G>A (p.Cys10Tyr)

Gene: POGZ (pogo transposable element derived with ZNF domain; minus strand). Cytogenetic location: 1q21.3.
Variant type: single nucleotide variant.
Coding change: c.29G>A on transcript NM_015100.4 (MANE Select); coding-DNA position 29, G replaced by A.
Protein change: p.Cys10Tyr; replaces cysteine 10 with tyrosine.
Molecular consequence: missense variant.
Genome position (GRCh38, 1-based): chr1:151,442,176, C>T on the plus strand (G>A on the coding strand, the complement: POGZ is on the minus strand). VCF-style: chr1-151442176-C-T. GRCh37 (hg19) VCF-style: chr1-151414652-C-T.
Other names: c.29G>A, p.Cys10Tyr (NM_001194937.2, NM_001194938.2, NM_145796.4 and 1 more transcripts); c.50G>A, p.Cys17Tyr (NM_001410860.1); short protein forms C10Y, C17Y.
Identifiers: ClinVar variation 5017522 (VCV005017522.1).

ClinVar aggregate classification (germline): Uncertain significance (1 of 4 stars; one submission).

Submission:

GeneDx
Classification: Uncertain significance. Last evaluated: 2026-03-25. Review status: criteria provided, single submitter. Criteria: GeneDx Variant Classification Process June 2021. Collection method: clinical testing. Allele origin: germline.
Comment: Not observed at significant frequency in large population cohorts (gnomAD); In silico analysis supports that this missense variant has a deleterious effect on protein structure/function; Has not been previously published as pathogenic or benign to our knowledge